The following is an entry in ClinVar:

ClinVar aggregate classification (germline): Uncertain significance (1 of 4 stars; one submission).

Conditions:
Charcot-Marie-Tooth disease type 2. Also called: Charcot-Marie-Tooth type 2. Identifiers: Orphanet 64746, MedGen C0270914, MONDO:0018993.

Allele frequency attached by ClinVar (database versions not stated): gnomAD exomes below 0.00001 and 0.00001; TOPMed 0.00001; ExAC 0.00001; ESP Exome Variant Server 0.00008.
gnomAD v4.1: 4 of 1,614,122 alleles (0.00025%); highest among the groups gnomAD compares: Admixed American, 0.0033%; no homozygotes.

Submission:

Labcorp Genetics (formerly Invitae), Labcorp
Classification: Uncertain significance for Charcot-Marie-Tooth disease type 2. Last evaluated: 2025-09-02. Review status: criteria provided, single submitter. Criteria: Invitae Variant Classification Sherloc (09022015). Collection method: clinical testing. Allele origin: germline.
Comment: This sequence change replaces aspartic acid, which is acidic and polar, with asparagine, which is neutral and polar, at codon 709 of the AARS protein (p.Asp709Asn). This variant is present in population databases (rs367806417, gnomAD 0.003%). This variant has not been reported in the literature in individuals affected with AARS-related conditions. ClinVar contains an entry for this variant (Variation ID: 582454). An algorithm developed to predict the effect of missense changes on protein structure and function (PolyPhen-2) suggests that this variant is likely to be disruptive. In summary, the available evidence is currently insufficient to determine the role of this variant in disease. Therefore, it has been classified as a Variant of Uncertain Significance.

NM_001605.3(AARS1):c.2125G>A (p.Asp709Asn)

Gene: AARS1 (alanyl-tRNA synthetase 1; minus strand). Cytogenetic location: 16q22.1.
Variant type: single nucleotide variant.
Coding change: c.2125G>A on transcript NM_001605.3 (MANE Select); coding-DNA position 2125, G replaced by A.
Protein change: p.Asp709Asn; replaces aspartic acid 709 with asparagine.
Molecular consequence: missense variant.
Genome position (GRCh38, 1-based): chr16:70,258,085, C>T on the plus strand (G>A on the coding strand, the complement: AARS1 is on the minus strand). VCF-style: chr16-70258085-C-T. GRCh37 (hg19) VCF-style: chr16-70291988-C-T.
Other names: short protein forms D709N.
Identifiers: ClinVar variation 582454 (VCV000582454.8), dbSNP rs367806417, ClinGen allele CA8140557.
Genomic context (GRCh38, chr16:70,258,085, plus strand): 5'-GTACTCACGTTCCCCCACAGAACTCAACAGAAGTCAGGGAGCCAGCAGGCCCAGAGGGGT[C>T]ATCCAGCAACTCGGACACCGGGACCCCAATGGAGACGACTCGCACAGGGTCAGGATAGGT-3'
Protein context (NP_001596.2, residues 699-719): IGVPVSELLD[Asp709Asn]PSGPAGSLTS